The following is an entry in ClinVar:

NM_000047.3(ARSL):c.1643A>T (p.His548Leu)

Gene: ARSL (arylsulfatase L; minus strand). Cytogenetic location: Xp22.33.
Variant type: single nucleotide variant.
Coding change: c.1643A>T on transcript NM_000047.3 (MANE Select); coding-DNA position 1643, A replaced by T.
Protein change: p.His548Leu; replaces histidine 548 with leucine.
Molecular consequence: missense variant.
Genome position (GRCh38, 1-based): chrX:2,934,959, T>A on the plus strand (A>T on the coding strand, the complement: ARSL is on the minus strand). VCF-style: chrX-2934959-T-A. GRCh37 (hg19) VCF-style: chrX-2853000-T-A.
Other names: c.1718A>T, p.His573Leu (NM_001282628.2, NM_001369080.1); c.1481A>T, p.His494Leu (NM_001282631.2); c.1670A>T, p.His557Leu (NM_001369079.1); short protein forms H494L, H548L, H557L, H573L.
Identifiers: ClinVar variation 1683177 (VCV001683177.6), dbSNP rs2147342476, ClinGen allele CA412275302.

ClinVar aggregate classification (germline): Uncertain significance (1 of 4 stars; one submission).

Conditions:
Chondrodysplasia punctata, brachytelephalangic, autosomal. Also called: BRACHYTELEPHALANGIC CHONDRODYSPLASIA PUNCTATA. Identifiers: MedGen C1844853, MONDO:0011238, OMIM 602497.

Submission:

Labcorp Genetics (formerly Invitae), Labcorp
Classification: Uncertain significance for Chondrodysplasia punctata, brachytelephalangic, autosomal. Last evaluated: 2022-09-19. Review status: criteria provided, single submitter. Criteria: Invitae Variant Classification Sherloc (09022015). Collection method: clinical testing. Allele origin: germline.
Comment: In summary, the available evidence is currently insufficient to determine the role of this variant in disease. Therefore, it has been classified as a Variant of Uncertain Significance. Algorithms developed to predict the effect of missense changes on protein structure and function (SIFT, PolyPhen-2, Align-GVGD) all suggest that this variant is likely to be tolerated. ClinVar contains an entry for this variant (Variation ID: 1683177). This variant has not been reported in the literature in individuals affected with ARSE-related conditions. This variant is not present in population databases (gnomAD no frequency). This sequence change replaces histidine, which is basic and polar, with leucine, which is neutral and non-polar, at codon 548 of the ARSE protein (p.His548Leu).